The following is an entry in ClinVar:

ClinVar aggregate classification (germline): Uncertain significance (1 of 4 stars; one submission).

Conditions:
Bethlem myopathy 1A. Also called: Bethlem myopathy 1; MYOPATHY, BENIGN CONGENITAL, WITH CONTRACTURES; Bethlem Muscular Dystrophy. Identifiers: Orphanet 610, MedGen CN029274, MONDO:0024530, OMIM 158810.

Allele frequency attached by ClinVar (database versions not stated): gnomAD exomes below 0.00001.
gnomAD v4.1: 2 of 1,613,180 alleles (0.00012%); highest among the groups gnomAD compares: East Asian, 0.0045%; no homozygotes.

Submission:

Labcorp Genetics (formerly Invitae), Labcorp
Classification: Uncertain significance for Bethlem myopathy 1A. Last evaluated: 2023-02-22. Review status: criteria provided, single submitter. Criteria: Invitae Variant Classification Sherloc (09022015). Collection method: clinical testing. Allele origin: germline.
Comment: Advanced modeling of protein sequence and biophysical properties (such as structural, functional, and spatial information, amino acid conservation, physicochemical variation, residue mobility, and thermodynamic stability) performed at Invitae indicates that this missense variant is not expected to disrupt COL6A2 protein function. This variant has not been reported in the literature in individuals affected with COL6A2-related conditions. This variant is not present in population databases (gnomAD no frequency). This sequence change replaces aspartic acid, which is acidic and polar, with asparagine, which is neutral and polar, at codon 88 of the COL6A2 protein (p.Asp88Asn). In summary, the available evidence is currently insufficient to determine the role of this variant in disease. Therefore, it has been classified as a Variant of Uncertain Significance.

NM_001849.4(COL6A2):c.262G>A (p.Asp88Asn)

Gene: COL6A2 (collagen type VI alpha 2 chain; plus strand). Cytogenetic location: 21q22.3.
Variant type: single nucleotide variant.
Coding change: c.262G>A on transcript NM_001849.4 (MANE Select); coding-DNA position 262, G replaced by A.
Protein change: p.Asp88Asn; replaces aspartic acid 88 with asparagine.
Molecular consequence: missense variant.
Genome position (GRCh38, 1-based): chr21:46,112,125, G>A. VCF-style: chr21-46112125-G-A. GRCh37 (hg19) VCF-style: chr21-47532039-G-A.
Other names: c.262G>A, p.Asp88Asn (NM_058174.3, NM_058175.3); short protein forms D88N.
Identifiers: ClinVar variation 2839662 (VCV002839662.3), dbSNP rs2516989411, ClinGen allele CA410520491.
Genomic context (GRCh38, chr21:46,112,125, plus strand): 5'-TTCCACATGAAGCAGTTCGTGCCGCAGTTCATCAGCCAGCTGCAGAACGAGTTCTACCTG[G>A]ACCAGGTGGCGCTGAGCTGGCGCTACGGCGGCCTGCACTTCTCTGACCAGGTGGAGGTGT-3'
Protein context (NP_001840.3, residues 78-98): ISQLQNEFYL[Asp88Asn]QVALSWRYGG